The following is an entry in ClinVar:

ClinVar aggregate classification (germline): Uncertain significance. Review status: criteria provided, multiple submitters, no conflicts (2 of 4 stars). 3 submissions from 3 submitters: Uncertain significance (3). Last evaluated 2026-04-06.

Conditions:
Hypertrophic cardiomyopathy 14. Identifiers: MedGen C2750467, MONDO:0013197, OMIM 613251.
Cardiovascular phenotype. Identifiers: MedGen CN230736.

Allele frequency attached by ClinVar (database versions not stated): TOPMed below 0.00001.

Submissions (3):

GeneDx
Classification: Uncertain significance. Last evaluated: 2026-04-06. Review status: criteria provided, single submitter. Criteria: GeneDx Variant Classification Process June 2021. Collection method: clinical testing. Allele origin: germline.
Comment: Reported previously in a patient with congenital heart disease; however, no further clinical information was provided (PMID: 35993536); In silico analysis supports that this missense variant has a deleterious effect on protein structure/function; Not observed at significant frequency in large population cohorts (gnomAD); This variant is associated with the following publications: (PMID: 35993536, 40127276)

Labcorp Genetics (formerly Invitae), Labcorp
Classification: Uncertain significance for Hypertrophic cardiomyopathy 14. Last evaluated: 2025-06-01. Review status: criteria provided, single submitter. Criteria: Invitae Variant Classification Sherloc (09022015). Collection method: clinical testing. Allele origin: germline.
Comment: This sequence change replaces glutamic acid, which is acidic and polar, with lysine, which is basic and polar, at codon 1127 of the MYH6 protein (p.Glu1127Lys). The frequency data for this variant in the population databases is considered unreliable, as metrics indicate poor data quality at this position in the gnomAD database. This missense change has been observed in individual(s) with congenital heart disease (PMID: 35993536). ClinVar contains an entry for this variant (Variation ID: 2082062). Invitae Evidence Modeling of protein sequence and biophysical properties (such as structural, functional, and spatial information, amino acid conservation, physicochemical variation, residue mobility, and thermodynamic stability) indicates that this missense variant is expected to disrupt MYH6 protein function with a positive predictive value of 80%. In summary, the available evidence is currently insufficient to determine the role of this variant in disease. Therefore, it has been classified as a Variant of Uncertain Significance.

Ambry Genetics
Classification: Uncertain significance for Cardiovascular phenotype. Last evaluated: 2024-05-18. Review status: criteria provided, single submitter. Criteria: Ambry Variant Classification Scheme 2023. Collection method: clinical testing. Allele origin: germline.
Comment: The p.E1127K variant (also known as c.3379G>A), located in coding exon 24 of the MYH6 gene, results from a G to A substitution at nucleotide position 3379. The glutamic acid at codon 1127 is replaced by lysine, an amino acid with similar properties. This variant has been reported in a congenital heart disease cohort (Zhang Y et al. Mol Genet Genomic Med, 2022 Oct;10:e2041). This amino acid position is highly conserved in available vertebrate species. In addition, this alteration is predicted to be deleterious by in silico analysis. Based on the available evidence, the clinical significance of this variant remains unclear.

Literature cited by the submitters: PubMed 35993536 (cited by Labcorp Genetics (formerly Invitae), Labcorp and Ambry Genetics).

NM_002471.4(MYH6):c.3379G>A (p.Glu1127Lys)

Gene: MYH6 (myosin heavy chain 6; minus strand). Cytogenetic location: 14q11.2.
Variant type: single nucleotide variant.
Coding change: c.3379G>A on transcript NM_002471.4 (MANE Select); coding-DNA position 3379, G replaced by A.
Protein change: p.Glu1127Lys; replaces glutamic acid 1127 with lysine.
Molecular consequence: missense variant.
Genome position (GRCh38, 1-based): chr14:23,390,410, C>T on the plus strand (G>A on the coding strand, the complement: MYH6 is on the minus strand). VCF-style: chr14-23390410-C-T. GRCh37 (hg19) VCF-style: chr14-23859619-C-T.
Other names: short protein forms E1127K.
Identifiers: ClinVar variation 2082062 (VCV002082062.6), dbSNP rs1170646537, ClinGen allele CA389006629.
Genomic context (GRCh38, chr14:23,390,410, plus strand): 5'-CCTCCAGCTCCCGAGACAGGTCTGAGCGCAGCTTCTCCACCTTAGCCCTGGCGGTGCGCT[C>T]GGCCTCCAGCTCCTCCTCCAGCTCCTCGATGCGTGCCTGGGTCAGACACAAAGGGCTCAG-3'
Protein context (NP_002462.2, residues 1117-1137): IEELEEELEA[Glu1127Lys]RTARAKVEKL